The following is an entry in ClinVar:

ClinVar aggregate classification (germline): Uncertain significance (1 of 4 stars; one submission).

Conditions:
Duchenne muscular dystrophy (DMD). Also called: MUSCULAR DYSTROPHY, PSEUDOHYPERTROPHIC PROGRESSIVE, DUCHENNE TYPE; Duchenne Muscular Dystrophy (DMD). Identifiers: Orphanet 98896, MedGen C0013264, MONDO:0010679, OMIM 310200.

Submission:

Labcorp Genetics (formerly Invitae), Labcorp
Classification: Uncertain significance for Duchenne muscular dystrophy. Last evaluated: 2025-10-13. Review status: criteria provided, single submitter. Criteria: Invitae Variant Classification Sherloc (09022015). Collection method: clinical testing. Allele origin: germline.
Comment: This sequence change replaces asparagine, which is neutral and polar, with serine, which is neutral and polar, at codon 837 of the DMD protein (p.Asn837Ser). This variant is not present in population databases (gnomAD no frequency). This variant has not been reported in the literature in individuals affected with DMD-related conditions. ClinVar contains an entry for this variant (Variation ID: 1718909). Invitae Evidence Modeling of protein sequence and biophysical properties (such as structural, functional, and spatial information, amino acid conservation, physicochemical variation, residue mobility, and thermodynamic stability) indicates that this missense variant is not expected to disrupt DMD protein function with a negative predictive value of 95%. In summary, the available evidence is currently insufficient to determine the role of this variant in disease. Therefore, it has been classified as a Variant of Uncertain Significance.

NM_004006.3(DMD):c.2510A>G (p.Asn837Ser)

Gene: DMD (dystrophin; minus strand). Cytogenetic location: Xp21.1.
Variant type: single nucleotide variant.
Coding change: c.2510A>G on transcript NM_004006.3 (MANE Select); coding-DNA position 2510, A replaced by G.
Protein change: p.Asn837Ser; replaces asparagine 837 with serine.
Molecular consequence: missense variant.
Genome position (GRCh38, 1-based): chrX:32,491,389, T>C on the plus strand (A>G on the coding strand, the complement: DMD is on the minus strand). VCF-style: chrX-32491389-T-C. GRCh37 (hg19) VCF-style: chrX-32509506-T-C.
Other names: c.2486A>G, p.Asn829Ser (NM_000109.4); c.2498A>G, p.Asn833Ser (NM_004009.3); c.2141A>G, p.Asn714Ser (NM_004010.3); short protein forms N714S, N829S, N833S, N837S.
Identifiers: ClinVar variation 1718909 (VCV001718909.6), dbSNP rs2525052305, ClinGen allele CA412672323.
Genomic context (GRCh38, chrX:32,491,389, plus strand): 5'-GGTTGGATTTTCAACCAGTTTTCAGCAGTAGTTGTCATCTGCTCCAATTGTTGTAGCTGA[T>C]TATAGAAAGCGATGATGTTGTTCTGATACTCCAGCCAGTTAAGTCTCTCACTTAGCAACT-3'
Protein context (NP_003997.2, residues 827-847): EYQNNIIAFY[Asn837Ser]QLQQLEQMTT